The following is an entry in ClinVar:

ClinVar aggregate classification (germline): Conflicting classifications of pathogenicity. Review status: criteria provided, conflicting classifications (1 of 4 stars). 5 submissions from 5 submitters: Uncertain significance (1); Benign (1); Likely benign (2). 1 of the submissions does not count toward it. Last evaluated 2025-11-04.

Conditions:
Hereditary leiomyomatosis and renal cell cancer. Also called: Familial leiomyomatosis; Reed syndrome; Multiple cutaneous and uterine leiomyomatosis; Cutaneous leiomyomata with uterine leiomyomata; Leiomyoma, hereditary multiple, of skin; Multiple cutaneous and uterine leiomyomata. Identifiers: Orphanet 523, MedGen C1708350, MONDO:0007888, OMIM 150800, HP:0007437. Disease mechanism: loss of function.
Hereditary cancer-predisposing syndrome. Also called: Neoplastic Syndromes, Hereditary; Hereditary Cancer Syndrome; Hereditary neoplastic syndrome; Tumor predisposition. Identifiers: Orphanet 140162, MedGen C0027672, MeSH D009386, MONDO:0015356.
Fumarase deficiency (FMRD). Also called: Fumarate Hydratase Deficiency; Fumaric aciduria. Identifiers: Orphanet 24, MedGen C0342770, MONDO:0011730, OMIM 606812.

Allele frequency attached by ClinVar (database versions not stated): gnomAD 0.00001 and 0.00002; gnomAD exomes 0.00001; ExAC 0.00002; TOPMed 0.00004; 1000 Genomes Project 0.00020; 1000 Genomes Project 30x 0.00031.
gnomAD v4.1: 12 of 1,613,736 alleles (0.00074%); highest among the groups gnomAD compares: African/African-American, 0.0067%; no homozygotes.

Submissions (5):

Labcorp Genetics (formerly Invitae), Labcorp
Classification: Likely benign. Last evaluated: 2025-11-04. Review status: criteria provided, single submitter. Criteria: Invitae Variant Classification Sherloc (09022015). Collection method: clinical testing. Allele origin: germline.

Myriad Genetics, Inc.
Classification: Benign for Hereditary leiomyomatosis and renal cell cancer. Last evaluated: 2024-10-18. Review status: criteria provided, single submitter. Criteria: Myriad Autosomal Dominant, Autosomal Recessive and X-Linked Classification Criteria (2023). Collection method: clinical testing. Allele origin: unknown.
Comment: This variant is considered benign. This variant is a silent/synonymous amino acid change and it is not expected to impact splicing.

GeneDx
Classification: Uncertain significance. Last evaluated: 2024-02-20. Review status: criteria provided, single submitter. Criteria: GeneDx Variant Classification Process June 2021. Collection method: clinical testing. Allele origin: germline.
Comment: Not observed at significant frequency in large population cohorts (gnomAD); Has not been previously published as pathogenic or benign to our knowledge; In silico analysis suggests this variant may impact gene splicing. In the absence of RNA/functional studies, the actual effect of this sequence change is unknown.

Ambry Genetics
Classification: Likely benign for Hereditary cancer-predisposing syndrome. Last evaluated: 2019-03-21. Review status: criteria provided, single submitter. Criteria: Ambry Variant Classification Scheme 2023. Collection method: clinical testing. Allele origin: germline.

Natera, Inc.
Classification: Likely benign for Fumarase Deficiency. Last evaluated: 2020-07-30. Review status: no assertion criteria provided. Collection method: clinical testing. Allele origin: germline. Not counted in ClinVar's aggregate classification.

NM_000143.4(FH):c.414C>T (p.Leu138=)

Gene: FH (fumarate hydratase; minus strand). Cytogenetic location: 1q43.
Variant type: single nucleotide variant.
Coding change: c.414C>T on transcript NM_000143.4 (MANE Select); coding-DNA position 414, C replaced by T.
Protein change: p.Leu138=; no amino-acid change (leucine 138 retained).
Molecular consequence: synonymous variant.
Genome position (GRCh38, 1-based): chr1:241,512,108, G>A on the plus strand (C>T on the coding strand, the complement: FH is on the minus strand). VCF-style: chr1-241512108-G-A. GRCh37 (hg19) VCF-style: chr1-241675408-G-A.
Identifiers: ClinVar variation 733264 (VCV000733264.22), dbSNP rs540968725, ClinGen allele CA1478684.